The following is an entry in ClinVar:

NM_001184880.2(PCDH19):c.2598C>T (p.Asn866=)

Genes: PCDH19 (protocadherin 19; minus strand), LOC125467768 (CDK7 strongly-dependent group 2 enhancer GRCh37_chrX:99657381-99658580; plus strand). Cytogenetic location: Xq22.1.
Variant type: single nucleotide variant.
Coding change: c.2598C>T on transcript NM_001184880.2 (MANE Select); coding-DNA position 2598, C replaced by T.
Protein change: p.Asn866=; no amino-acid change (asparagine 866 retained).
Molecular consequence: synonymous variant.
Genome position (GRCh38, 1-based): chrX:100,402,542, G>A on the plus strand (C>T on the coding strand, the complement: PCDH19 is on the minus strand). VCF-style: chrX-100402542-G-A. GRCh37 (hg19) VCF-style: chrX-99657540-G-A.
Other names: c.2457C>T, p.Asn819= (NM_001105243.2, NM_020766.3).
Identifiers: ClinVar variation 516431 (VCV000516431.50), dbSNP rs371444167, ClinGen allele CA10468756.
Genomic context (GRCh38, chrX:100,402,542, plus strand): 5'-GAGACCTGGGAGAACCTCACAGAGCCACTTAGCTGCACTCACCTCAGGCAGAGGCACACC[G>A]TTGATAATCAGGTCAGGCTGCTGGGGCCCCTGGCTGTTGAAAGAGTGATGGTAGATGTGG-3'
Protein context (NP_001171809.1, residues 856-876): QGPQQPDLII[Asn866=]GVPLPETENY

ClinVar aggregate classification (germline): Likely benign. Review status: criteria provided, multiple submitters, no conflicts (2 of 4 stars). 4 submissions from 4 submitters: Likely benign (4). Last evaluated 2026-01-01.

Conditions:
Developmental and epileptic encephalopathy, 9 (DEE9). Also called: PCDH19-Related X-Linked Female-Limited Epilepsy with Mental Retardation; Early infantile epileptic encephalopathy 9; EPILEPSY, FEMALE-RESTRICTED, WITH MENTAL RETARDATION; JUBERG-HELLMAN SYNDROME. Identifiers: Orphanet 101039, Orphanet 2076, MedGen C1848137, MONDO:0010246, OMIM 300088. Disease mechanism: loss of function.

Allele frequency attached by ClinVar (database versions not stated): TOPMed below 0.00001; gnomAD 0.00001; gnomAD exomes 0.00002; ExAC 0.00004; ESP Exome Variant Server 0.00010.
gnomAD v4.1: 27 of 1,209,302 alleles (0.0022%); highest among the groups gnomAD compares: Middle Eastern, 0.046%; no homozygotes.

Submissions (4):

Labcorp Genetics (formerly Invitae), Labcorp
Classification: Likely benign for Developmental and epileptic encephalopathy, 9. Last evaluated: 2026-01-01. Review status: criteria provided, single submitter. Criteria: Invitae Variant Classification Sherloc (09022015). Collection method: clinical testing. Allele origin: germline.

CeGaT Center for Human Genetics Tuebingen
Classification: Likely benign. Last evaluated: 2024-07-01. Review status: criteria provided, single submitter. Criteria: CeGaT Center For Human Genetics Tuebingen Variant Classification Criteria Version 2. Collection method: clinical testing. Allele origin: germline. Affected: yes. Observed: 2 variant alleles.
Comment: PCDH19: BP4, BP7, BS2

Blueprint Genetics
Classification: Likely benign. Last evaluated: 2024-05-28. Review status: criteria provided, single submitter. Criteria: ACMG Guidelines, 2015. Collection method: clinical testing. Allele origin: germline.

GeneDx
Classification: Likely benign. Last evaluated: 2018-05-02. Review status: criteria provided, single submitter. Criteria: GeneDx Variant Classification Process June 2021. Collection method: clinical testing. Allele origin: germline. Affected: yes.